The following is an entry in ClinVar:

ClinVar aggregate classification (germline): Uncertain significance. Review status: criteria provided, multiple submitters, no conflicts (2 of 4 stars). 2 submissions from 2 submitters: Uncertain significance (2). Last evaluated 2025-11-26.

Conditions:
Inborn genetic diseases. Identifiers: MedGen C0950123, MeSH D030342.
LAMA5-related disorder. Also called: LAMA5-related condition; LAMA5-Related Disorders.

Allele frequency attached by ClinVar (database versions not stated): TOPMed 0.00001; gnomAD 0.00003; ExAC 0.00003.
gnomAD v4.1: 74 of 1,552,720 alleles (0.0048%); highest among the groups gnomAD compares: Non-Finnish European, 0.006%; no homozygotes.

Submissions (2):

Ambry Genetics
Classification: Uncertain significance for Inborn genetic diseases. Last evaluated: 2025-11-26. Review status: criteria provided, single submitter. Criteria: Ambry Variant Classification Scheme 2023. Collection method: clinical testing. Allele origin: germline.

PreventionGenetics, part of Exact Sciences
Classification: Uncertain significance for LAMA5-related condition. Last evaluated: 2022-12-16. Review status: criteria provided, single submitter. Criteria: ACMG Guidelines, 2015. Collection method: clinical testing. Allele origin: germline.
Comment: The LAMA5 c.10333C>T variant is predicted to result in the amino acid substitution p.Arg3445Trp. To our knowledge, this variant has not been reported in the literature. This variant is reported in 0.0064% of alleles in individuals of European (Non-Finnish) descent in gnomAD. At this time, the clinical significance of this variant is uncertain due to the absence of conclusive functional and genetic evidence.

NM_005560.6(LAMA5):c.10333C>T (p.Arg3445Trp)

Gene: LAMA5 (laminin subunit alpha 5; minus strand). Cytogenetic location: 20q13.33.
Variant type: single nucleotide variant.
Coding change: c.10333C>T on transcript NM_005560.6 (MANE Select); coding-DNA position 10333, C replaced by T.
Protein change: p.Arg3445Trp; replaces arginine 3445 with tryptophan.
Molecular consequence: missense variant.
Genome position (GRCh38, 1-based): chr20:62,310,778, G>A on the plus strand (C>T on the coding strand, the complement: LAMA5 is on the minus strand). VCF-style: chr20-62310778-G-A. GRCh37 (hg19) VCF-style: chr20-60885834-G-A.
Other names: c.10333C>T (NM_005560.3); short protein forms R3445W.
Identifiers: ClinVar variation 2636589 (VCV002636589.2), dbSNP rs770399366, ClinGen allele CA9939824.